The following is an entry in ClinVar:

NM_002772.3(TMPRSS15):c.1391A>G (p.Tyr464Cys)

Gene: TMPRSS15 (transmembrane serine protease 15; minus strand). Cytogenetic location: 21q21.1.
Variant type: single nucleotide variant.
Coding change: c.1391A>G on transcript NM_002772.3 (MANE Select); coding-DNA position 1391, A replaced by G.
Protein change: p.Tyr464Cys; replaces tyrosine 464 with cysteine.
Molecular consequence: missense variant.
Genome position (GRCh38, 1-based): chr21:18,343,543, T>C on the plus strand (A>G on the coding strand, the complement: TMPRSS15 is on the minus strand). VCF-style: chr21-18343543-T-C. GRCh37 (hg19) VCF-style: chr21-19715860-T-C.
Other names: short protein forms Y464C.
Identifiers: ClinVar variation 1028046 (VCV001028046.4), dbSNP rs781154385, ClinGen allele CA9984449.

ClinVar aggregate classification (germline): Uncertain significance. Review status: criteria provided, multiple submitters, no conflicts (2 of 4 stars). 2 submissions from 2 submitters: Uncertain significance (2). Last evaluated 2024-10-21.

Conditions:
Enterokinase deficiency. Also called: Congenital enteropathy due to enteropeptidase deficiency; ENTEROPEPTIDASE DEFICIENCY; Deficiency of enteropeptidase. Identifiers: Orphanet 168601, MedGen C0268416, MONDO:0009173, OMIM 226200.

Allele frequency attached by ClinVar (database versions not stated): ExAC 0.00002; gnomAD exomes 0.00002 and 0.00004; gnomAD 0.00006; TOPMed 0.00006.
gnomAD v4.1: 47 of 1,613,162 alleles (0.0029%); highest among the groups gnomAD compares: Middle Eastern, 0.083%; no homozygotes.

Submissions (2):

Labcorp Genetics (formerly Invitae), Labcorp
Classification: Uncertain significance. Last evaluated: 2024-10-21. Review status: criteria provided, single submitter. Criteria: Invitae Variant Classification Sherloc (09022015). Collection method: clinical testing. Allele origin: germline.
Comment: This sequence change replaces tyrosine, which is neutral and polar, with cysteine, which is neutral and slightly polar, at codon 464 of the TMPRSS15 protein (p.Tyr464Cys). This variant is present in population databases (rs781154385, gnomAD 0.03%). This variant has not been reported in the literature in individuals affected with TMPRSS15-related conditions. ClinVar contains an entry for this variant (Variation ID: 1028046). An algorithm developed to predict the effect of missense changes on protein structure and function (PolyPhen-2) suggests that this variant is likely to be disruptive. In summary, the available evidence is currently insufficient to determine the role of this variant in disease. Therefore, it has been classified as a Variant of Uncertain Significance.

Baylor Genetics
Classification: Uncertain significance for Enterokinase deficiency. Last evaluated: 2019-02-22. Review status: criteria provided, single submitter. Criteria: ACMG Guidelines, 2015. Collection method: clinical testing. Allele origin: paternal. Affected: yes.
Comment: This variant was determined to be of uncertain significance according to ACMG Guidelines, 2015 [PMID:25741868].